The following is an entry in ClinVar:

NM_133433.4(NIPBL):c.5575-5T>C

Gene: NIPBL (NIPBL cohesin loading factor; plus strand). Cytogenetic location: 5p13.2.
Variant type: single nucleotide variant.
Coding change: c.5575-5T>C on transcript NM_133433.4 (MANE Select); 5 bases into the intron before coding-DNA position 5575, T replaced by C.
Molecular consequence: intron variant.
Genome position (GRCh38, 1-based): chr5:37,024,580, T>C. VCF-style: chr5-37024580-T-C. GRCh37 (hg19) VCF-style: chr5-37024682-T-C.
Other names: c.5575-5T>C (NM_015384.5).
Identifiers: ClinVar variation 2309763 (VCV002309763.4), dbSNP rs780152442, ClinGen allele CA3236818.
Genomic context (GRCh38, chr5:37,024,580, plus strand): 5'-TTTCTAATTTCATACACTAGGCATCTCAATTTTTCTGACTCTTAAAAATACCTTTCTGTT[T>C]TTAGGATACTGGTATCAGTGTCAGGAAAAGAGTAATAAAGATTCTCAGAGACATTTGTAT-3'

ClinVar aggregate classification (germline): Conflicting classifications of pathogenicity. Review status: criteria provided, conflicting classifications (1 of 4 stars). 2 submissions from 2 submitters: Uncertain significance (1); Likely benign (1). Last evaluated 2024-09-17.

Conditions:
Cornelia de Lange syndrome 1 (CDLS1). Also called: TYPUS DEGENERATIVUS AMSTELODAMENSIS; Brachmann de Lange syndrome; NIPBL-Related Cornelia de Lange Syndrome. Identifiers: Orphanet 199, MedGen C4551851, MONDO:0007387, OMIM 122470.
Inborn genetic diseases. Identifiers: MedGen C0950123, MeSH D030342.

Allele frequency attached by ClinVar (database versions not stated): ExAC 0.00001; gnomAD 0.00001.

Submissions (2):

Labcorp Genetics (formerly Invitae), Labcorp
Classification: Likely benign for Cornelia de Lange syndrome 1. Last evaluated: 2024-09-17. Review status: criteria provided, single submitter. Criteria: Invitae Variant Classification Sherloc (09022015). Collection method: clinical testing. Allele origin: germline.

Ambry Genetics
Classification: Uncertain significance for Inborn genetic diseases. Last evaluated: 2022-10-18. Review status: criteria provided, single submitter. Criteria: Ambry Variant Classification Scheme 2023. Collection method: clinical testing. Allele origin: germline.
Comment: The c.5575-5T>C intronic alteration consists of a T to C substitution 5 nucleotides before exon 30 (coding exon 29) of the NIPBL gene. Based on insufficient or conflicting evidence, the clinical significance of this alteration remains unclear.